The following is an entry in ClinVar:

NM_001077350.3(NPRL3):c.82T>G (p.Phe28Val)

Genes: HBA-LCR (alpha-globin locus control region; plus strand), NPRL3 (NPR3 like, GATOR1 complex subunit; minus strand). Cytogenetic location: 16p13.3.
Variant type: single nucleotide variant.
Coding change: c.82T>G on transcript NM_001077350.3 (MANE Select); coding-DNA position 82, T replaced by G.
Protein change: p.Phe28Val; replaces phenylalanine 28 with valine.
Molecular consequence: missense variant. On other transcripts: 5 prime UTR variant (2).
Genome position (GRCh38, 1-based): chr16:138,186, A>C on the plus strand (T>G on the coding strand, the complement: NPRL3 is on the minus strand). VCF-style: chr16-138186-A-C. GRCh37 (hg19) VCF-style: chr16-188185-A-C.
Other names: c.-251T>G (NM_001039476.3); c.-290T>G (NM_001243247.2); c.82T>G, p.Phe28Val (NM_001243248.2, NM_001243249.2); short protein forms F28V.
Identifiers: ClinVar variation 3383847 (VCV003383847.3).
Genomic context (GRCh38, chr16:138,186, plus strand): 5'-GGCCCCCGCCCAGCGCTCACTTACTTGTCTGGGACGCCGGGTGCTCCTGGCTTCTCTGGA[A>C]GGGGTACCTGAACAGCAGCTTATTGCCCCTGCTCCCCGAGCTCACCAGAATCACGCTGAT-3'
Protein context (NP_001070818.1, residues 18-38): RGNKLLFRYP[Phe28Val]QRSQEHPASQ

ClinVar aggregate classification (germline): Uncertain significance. Review status: criteria provided, multiple submitters, no conflicts (2 of 4 stars). 2 submissions from 2 submitters: Uncertain significance (2). Last evaluated 2024-05-30.

Conditions:
Epilepsy, familial focal, with variable foci 3 (FFEVF3). Identifiers: MedGen C4310708, MONDO:0014925, OMIM 617118.

Submissions (2):

GeneDx
Classification: Uncertain significance. Last evaluated: 2024-05-30. Review status: criteria provided, single submitter. Criteria: GeneDx Variant Classification Process June 2021. Collection method: clinical testing. Allele origin: germline. Affected: yes.
Comment: Not observed at significant frequency in large population cohorts (gnomAD); In silico analysis supports that this missense variant has a deleterious effect on protein structure/function; Has not been previously published as pathogenic or benign to our knowledge

Labcorp Genetics (formerly Invitae), Labcorp
Classification: Uncertain significance for Epilepsy, familial focal, with variable foci 3. Last evaluated: 2024-02-15. Review status: criteria provided, single submitter. Criteria: Invitae Variant Classification Sherloc (09022015). Collection method: clinical testing. Allele origin: germline.
Comment: This sequence change replaces phenylalanine, which is neutral and non-polar, with valine, which is neutral and non-polar, at codon 28 of the NPRL3 protein (p.Phe28Val). This variant is not present in population databases (gnomAD no frequency). This variant has not been reported in the literature in individuals affected with NPRL3-related conditions. Advanced modeling of protein sequence and biophysical properties (such as structural, functional, and spatial information, amino acid conservation, physicochemical variation, residue mobility, and thermodynamic stability) performed at Invitae indicates that this missense variant is not expected to disrupt NPRL3 protein function with a negative predictive value of 80%. In summary, the available evidence is currently insufficient to determine the role of this variant in disease. Therefore, it has been classified as a Variant of Uncertain Significance.